The following is an entry in ClinVar:

NM_172107.4(KCNQ2):c.458G>A (p.Arg153Gln)

Gene: KCNQ2 (potassium voltage-gated channel subfamily Q member 2; minus strand). Cytogenetic location: 20q13.33.
Variant type: single nucleotide variant.
Coding change: c.458G>A on transcript NM_172107.4 (MANE Select); coding-DNA position 458, G replaced by A.
Protein change: p.Arg153Gln; replaces arginine 153 with glutamine.
Molecular consequence: missense variant.
Genome position (GRCh38, 1-based): chr20:63,445,294, C>T on the plus strand (G>A on the coding strand, the complement: KCNQ2 is on the minus strand). VCF-style: chr20-63445294-C-T. GRCh37 (hg19) VCF-style: chr20-62076647-C-T.
Other names: c.458G>A, p.Arg153Gln (NM_001382235.1, NM_004518.6, NM_172106.3 and 2 more transcripts); short protein forms R153Q.
Identifiers: ClinVar variation 2504931 (VCV002504931.2), dbSNP rs2516511525, ClinGen allele CA409655306.
Genomic context (GRCh38, chr20:63,445,294, plus strand): 5'-TCACCAATCACACAGAACGGTTTCCGGGCAAACTTGAGCCGCCCCCTCCAGCCACGGTAC[C>T]GGCAGCAGCAGCCTGCGGCCCAGATCCGCACGAAGTACTCCACGCCAAACACCACGATAG-3'
Protein context (NP_742105.1, residues 143-163): VRIWAAGCCC[Arg153Gln]YRGWRGRLKF

ClinVar aggregate classification (germline): Pathogenic (1 of 4 stars; one submission).

Allele frequency attached by ClinVar (database versions not stated): gnomAD exomes below 0.00001.
gnomAD v4.1: 1 of 1,613,808 alleles (0.000062%); highest among the groups gnomAD compares: East Asian, 0.0022%; no homozygotes.

Submission:

GeneDx
Classification: Pathogenic. Last evaluated: 2025-09-27. Review status: criteria provided, single submitter. Criteria: GeneDx Variant Classification Process June 2021. Collection method: clinical testing. Allele origin: germline.
Comment: Not observed at significant frequency in large population cohorts (gnomAD); In silico analysis supports that this missense variant has a deleterious effect on protein structure/function; This substitution is predicted to be within the intracellular loop between the S2 and S3 transmembrane segments; Has not been previously published as pathogenic or benign to our knowledge